The following is an entry in ClinVar:

ClinVar aggregate classification (germline): Uncertain significance. Review status: criteria provided, multiple submitters, no conflicts (2 of 4 stars). 2 submissions from 2 submitters: Uncertain significance (2). Last evaluated 2025-01-06.

Conditions:
Hereditary cancer-predisposing syndrome. Also called: Hereditary neoplastic syndrome; Tumor predisposition; Hereditary Cancer Syndrome; Neoplastic Syndromes, Hereditary. Identifiers: Orphanet 140162, MedGen C0027672, MeSH D009386, MONDO:0015356.

Allele frequency attached by ClinVar (database versions not stated): gnomAD exomes below 0.00001; TOPMed below 0.00001; gnomAD 0.00001.
gnomAD v4.1: 6 of 1,612,954 alleles (0.00037%); highest among the groups gnomAD compares: African/African-American, 0.0013%; no homozygotes.

Submissions (2):

Labcorp Genetics (formerly Invitae), Labcorp
Classification: Uncertain significance. Last evaluated: 2025-01-06. Review status: criteria provided, single submitter. Criteria: Invitae Variant Classification Sherloc (09022015). Collection method: clinical testing. Allele origin: germline.
Comment: This sequence change replaces isoleucine, which is neutral and non-polar, with valine, which is neutral and non-polar, at codon 506 of the MSH3 protein (p.Ile506Val). This variant is not present in population databases (gnomAD no frequency). This variant has not been reported in the literature in individuals affected with MSH3-related conditions. ClinVar contains an entry for this variant (Variation ID: 2586081). An algorithm developed to predict the effect of missense changes on protein structure and function outputs the following: PolyPhen-2: "Benign". The valine amino acid residue is found in multiple mammalian species, which suggests that this missense change does not adversely affect protein function. In summary, the available evidence is currently insufficient to determine the role of this variant in disease. Therefore, it has been classified as a Variant of Uncertain Significance.

Ambry Genetics
Classification: Uncertain significance for Hereditary cancer-predisposing syndrome. Last evaluated: 2023-09-01. Review status: criteria provided, single submitter. Criteria: Ambry Variant Classification Scheme 2023. Collection method: clinical testing. Allele origin: germline.
Comment: The p.I506V variant (also known as c.1516A>G), located in coding exon 10 of the MSH3 gene, results from an A to G substitution at nucleotide position 1516. The isoleucine at codon 506 is replaced by valine, an amino acid with highly similar properties. This amino acid position is not well conserved in available vertebrate species. In addition, this alteration is predicted to be tolerated by in silico analysis. Since supporting evidence is limited at this time, the clinical significance of this alteration remains unclear.

NM_002439.5(MSH3):c.1516A>G (p.Ile506Val)

Gene: MSH3 (mutS homolog 3; plus strand). Cytogenetic location: 5q14.1.
Variant type: single nucleotide variant.
Coding change: c.1516A>G on transcript NM_002439.5 (MANE Select); coding-DNA position 1516, A replaced by G.
Protein change: p.Ile506Val; replaces isoleucine 506 with valine.
Molecular consequence: missense variant.
Genome position (GRCh38, 1-based): chr5:80,728,913, A>G. VCF-style: chr5-80728913-A-G. GRCh37 (hg19) VCF-style: chr5-80024732-A-G.
Other names: short protein forms I506V.
Identifiers: ClinVar variation 2586081 (VCV002586081.5), dbSNP rs1743353490, ClinGen allele CA360274270.
Genomic context (GRCh38, chr5:80,728,913, plus strand): 5'-TCTCAAATTATTTCTGGCATTGTTAACTTAGAGAAGCCTGTGATTTGCTCTTTGGCTGCC[A>G]TCATAAAATACCTCAAAGAATTCAACTTGGAAAAGATGCTCTCCAAACCTGAGTAAGTGA-3'
Protein context (NP_002430.3, residues 496-516): EKPVICSLAA[Ile506Val]IKYLKEFNLE